The following is an entry in ClinVar:

ClinVar aggregate classification (germline): Likely benign. Review status: criteria provided, single submitter (1 of 4 stars). 2 submissions from 2 submitters: Likely benign (1). 1 of the submissions does not count toward it. Last evaluated 2024-11-15.

Conditions:
IRF2BP2-related disorder. Also called: IRF2BP2-related condition.

Allele frequency attached by ClinVar (database versions not stated): ESP Exome Variant Server 0.00010; 1000 Genomes Project 30x 0.00016; ExAC 0.00030; gnomAD 0.00037; TOPMed 0.00038.
gnomAD v4.1: 701 of 1,472,064 alleles (0.048%); highest among the groups gnomAD compares: Non-Finnish European, 0.06%; no homozygotes.

Submissions (2):

Blueprint Genetics
Classification: Likely benign. Last evaluated: 2024-11-15. Review status: criteria provided, single submitter. Criteria: ACMG Guidelines, 2015. Collection method: clinical testing. Allele origin: germline.

PreventionGenetics, part of Exact Sciences
Classification: Likely benign for IRF2BP2-related condition. Last evaluated: 2022-04-14. Review status: no assertion criteria provided. Collection method: clinical testing. Allele origin: germline. Not counted in ClinVar's aggregate classification.
Comment: This variant is classified as likely benign based on ACMG/AMP sequence variant interpretation guidelines (Richards et al. 2015 PMID: 25741868, with internal and published modifications).

NM_182972.3(IRF2BP2):c.-5C>T

Gene: IRF2BP2 (interferon regulatory factor 2 binding protein 2; minus strand). Cytogenetic location: 1q42.3.
Variant type: single nucleotide variant.
Coding change: c.-5C>T on transcript NM_182972.3 (MANE Select); 5 bases upstream of the start codon, C replaced by T.
Molecular consequence: 5 prime UTR variant.
Genome position (GRCh38, 1-based): chr1:234,609,499, G>A on the plus strand (C>T on the coding strand, the complement: IRF2BP2 is on the minus strand). VCF-style: chr1-234609499-G-A. GRCh37 (hg19) VCF-style: chr1-234745245-G-A.
Other names: c.-5C>T (NM_001077397.1).
Identifiers: ClinVar variation 3046362 (VCV003046362.3), dbSNP rs369482262, ClinGen allele CA1461925.
Genomic context (GRCh38, chr1:234,609,499, plus strand): 5'-CACAGGTAGCACGACTGCCGCCGGGACGCGGCCGCCACCGCCACCGCCGCGGCCATGTCC[G>A]AGGAGCCCGCGACGCCGGAGGAGGAGGCGGAGGAGGAGGAGGGGGCGCCGCCGCCGCCCC-3'